The following is an entry in ClinVar:

ClinVar aggregate classification (germline): Conflicting classifications of pathogenicity. Review status: criteria provided, conflicting classifications (1 of 4 stars). 8 submissions from 8 submitters: Uncertain significance (4); Likely benign (2). 2 of the submissions do not count toward it. Last evaluated 2025-08-17.

Conditions:
PIEZO1-related disorder. Also called: PIEZO1-related condition; PIEZO1-Related Disorders.
Lymphatic malformation 6 (LMPHM6). Also called: GENERALIZED LYMPHATIC DYSPLASIA OF FOTIOU; Lymphedema, hereditary, III; PIEZO1-related generalized lymphatic dysplasia with non-immune hydrops fetalis. Identifiers: Orphanet 568062, MedGen C4225184, MONDO:0014797, OMIM 616843.
Dehydrated hereditary stomatocytosis with or without pseudohyperkalemia and/or perinatal edema (DHS1). Also called: Dehydrated hereditary stomatocytosis 1 with or without pseudohyperkalemia and/or perinatal edema; PSEUDOHYPERKALEMIA EDINBURGH; DEHYDRATED HEREDITARY STOMATOCYTOSIS AND PSEUDOHYPERKALEMIA; DEHYDRATED HEREDITARY STOMATOCYTOSIS WITH PSEUDOHYPERKALEMIA AND PERINATAL EDEMA; Pseudohyperkalemia, familial, 1, due to red cell leak. Identifiers: Orphanet 3202, MedGen C4551512, MONDO:0008689, OMIM 194380.

Submissions (8):

Labcorp Genetics (formerly Invitae), Labcorp
Classification: Likely benign. Last evaluated: 2025-08-17. Review status: criteria provided, single submitter. Criteria: Invitae Variant Classification Sherloc (09022015). Collection method: clinical testing. Allele origin: germline.

ARUP Laboratories, Molecular Genetics and Genomics, ARUP Laboratories
Classification: Uncertain significance. Last evaluated: 2025-03-13. Review status: criteria provided, single submitter. Criteria: ARUP Molecular Germline Variant Investigation Process 2024. Collection method: clinical testing. Allele origin: germline.
Comment: The PIEZO1 c.7472_7477dup; p.Arg2491_Glu2492dup variant (rs755226463), to our knowledge, is not reported in the medical literature or gene specific databases. This variant is found in the general population with an overall allele frequency of 0. 07% (1,050/1,550,262] alleles, including one homozygote) in the Genome Aggregation Database (v4.1.0). This variant duplicates two amino acid residues leaving the rest of the protein in-frame. Similar duplications and insertions in this region have been reported in patients with dehydrated hereditary stomatocytosis, including a recurrent gain of function variant, p.Leu2495_Glu2496dup (Albuisson 2013, de Meira Oliveira 2020, Fermo 2017). Therefore, while the high population frequency of p.Arg2491_Glu2492dup suggests that it is likely a benign variant, given the lack of clinical and functional data, the significance of this variant is uncertain at this time. References: Albuisson J et al. Dehydrated hereditary stomatocytosis linked to gain-of-function mutations in mechanically activated PIEZO1 ion channels. Nat Commun. 2013 PMID: 23695678 de Meira Oliveira P et al. Heterogeneous phenotype of Hereditary Xerocytosis in association with PIEZO1 variants. Blood Cells Mol Dis. 2020 May. PMID: 32109669 Fermo E et al. Hereditary Xerocytosis due to Mutations in PIEZO1 Gene Associated with Heterozygous Pyruvate Kinase Deficiency and Beta-Thalassemia Trait in Two Unrelated Families. Case Rep Hematol. 2017 PMID: 28367341

PreventionGenetics, part of Exact Sciences
Classification: Likely benign for PIEZO1-related condition. Last evaluated: 2025-01-23. Review status: criteria provided, single submitter. Criteria: ACMG Guidelines, 2015. Collection method: clinical testing. Allele origin: germline.
Comment: This variant is classified as likely benign based on ACMG/AMP sequence variant interpretation guidelines (Richards et al. 2015 PMID: 25741868, with internal and published modifications).

Blueprint Genetics
Classification: Uncertain significance. Last evaluated: 2024-10-04. Review status: criteria provided, single submitter. Criteria: ACMG Guidelines, 2015. Collection method: clinical testing. Allele origin: germline.

Fulgent Genetics
Classification: Uncertain significance for Dehydrated hereditary stomatocytosis with or without pseudohyperkalemia and/or perinatal edema; Lymphatic malformation 6. Last evaluated: 2022-05-19. Review status: criteria provided, single submitter. Criteria: ACMG Guidelines, 2015. Collection method: clinical testing. Allele origin: unknown.

GeneDx
Classification: Uncertain significance. Last evaluated: 2022-04-07. Review status: criteria provided, single submitter. Criteria: GeneDx Variant Classification Process June 2021. Collection method: clinical testing. Allele origin: germline. Affected: yes.
Comment: In-frame insertion of 2 amino acids in a non-repeat region; Has not been previously published as pathogenic or benign to our knowledge

Clinical Genetics DNA and cytogenetics Diagnostics Lab, Erasmus MC, Erasmus Medical Center
Classification: Uncertain significance. Review status: no assertion criteria provided. Collection method: clinical testing. Allele origin: germline. Affected: yes. Study: VKGL Data-share Consensus. Not counted in ClinVar's aggregate classification.

Diagnostic Laboratory, Department of Genetics, University Medical Center Groningen
Classification: Uncertain significance. Review status: no assertion criteria provided. Collection method: clinical testing. Allele origin: germline. Affected: yes. Study: VKGL Data-share Consensus. Not counted in ClinVar's aggregate classification.

NM_001142864.4(PIEZO1):c.7472_7477dup (p.Arg2491_Glu2492dup)

Gene: PIEZO1 (piezo type mechanosensitive ion channel component 1 (Er blood group); minus strand). Cytogenetic location: 16q24.3.
Variant type: Duplication.
Coding change: c.7472_7477dup on transcript NM_001142864.4 (MANE Select); coding-DNA positions 7472 to 7477, 6 bases duplicated (GGGAGC; older notation c.7472_7477dupGGGAGC).
Protein change: p.Arg2491_Glu2492dup.
Molecular consequence: inframe insertion.
Genome position (GRCh38, 1-based): chr16:88,715,694-88,715,699, GCTCCC duplicated on the plus strand (GGGAGC on the coding strand, the reverse complement: PIEZO1 is on the minus strand); duplicating any 6 consecutive bases within chr16:88,715,694-88,715,700 gives the same sequence; the c. name uses the placement nearest the transcript's 3' end. VCF-style (leftmost placement, unchanged base first): chr16-88715693-A-AGCTCCC. GRCh37 (hg19) VCF-style: chr16-88782101-A-AGCTCCC.
Other names: c.7472_7477dup (NM_001142864.2); c.7472_7477dup6 (NM_001142864.3).
Identifiers: ClinVar variation 1328215 (VCV001328215.19), dbSNP rs755226463, ClinGen allele CA8231307.